The following is an entry in ClinVar:

NM_000540.3(RYR1):c.271-10C>T

Gene: RYR1 (ryanodine receptor 1; plus strand). Cytogenetic location: 19q13.2.
Variant type: single nucleotide variant.
Coding change: c.271-10C>T on transcript NM_000540.3 (MANE Select); 10 bases into the intron before coding-DNA position 271, C replaced by T.
Molecular consequence: intron variant.
Genome position (GRCh38, 1-based): chr19:38,443,548, C>T. VCF-style: chr19-38443548-C-T. GRCh37 (hg19) VCF-style: chr19-38934188-C-T.
Other names: c.271-10C>T (NM_001042723.2).
Identifiers: ClinVar variation 3071886 (VCV003071886.1), dbSNP rs2513971061, ClinGen allele CA2576769985.
Genomic context (GRCh38, chr19:38,443,548, plus strand): 5'-GGCCAGACCTCTTGGGGATCTGGAGAGTCCGGGGATCTGTGCTTATTCTGTTCCCTCCCT[C>T]CCCCTGCAGTCATCCCAGGGCGGGGGACACAGGACGCTCCTGTATGGCCATGCCATCCTG-3'

ClinVar aggregate classification (germline): Likely benign (1 of 4 stars; one submission).

Conditions:
Malignant hyperthermia, susceptibility to, 1 (MHS1). Also called: Anesthesia related hyperthermia; Malignant hyperpyrexia; Fulminating hyperpyrexia; Pharmacogenic myopathy; RYR1-Related Malignant Hyperthermia Susceptibility; Malignant hyperthermia suceptibility 1. Identifiers: Orphanet 423, MedGen C2930980, MONDO:0007783, OMIM 145600.

Submission:

All of Us Research Program, National Institutes of Health
Classification: Likely benign for Malignant hyperthermia, susceptibility to, 1. Last evaluated: 2023-06-26. Review status: criteria provided, single submitter. Criteria: ACMG Guidelines, 2015. Collection method: clinical testing. Allele origin: germline. Inheritance: Autosomal dominant inheritance. Observed: 1 variant allele, 1 heterozygote.
Comment: This study involves interpretation of variants in research participants for the purpose of population health screening. Participant phenotype was not available at the time of variant classification. Additional details can be found in publication PMID: 35346344, PMCID: PMC8962531